The following is an entry in ClinVar:

NM_001144967.3(NEDD4L):c.2028C>G (p.Phe676Leu)

Gene: NEDD4L (NEDD4 like E3 ubiquitin protein ligase; plus strand). Cytogenetic location: 18q21.31.
Variant type: single nucleotide variant.
Coding change: c.2028C>G on transcript NM_001144967.3 (MANE Select); coding-DNA position 2028, C replaced by G.
Protein change: p.Phe676Leu; replaces phenylalanine 676 with leucine.
Molecular consequence: missense variant.
Genome position (GRCh38, 1-based): chr18:58,366,193, C>G. VCF-style: chr18-58366193-C-G. GRCh37 (hg19) VCF-style: chr18-56033425-C-G.
Other names: c.1665C>G, p.Phe555Leu (NM_001144964.1, NM_001144965.2, NM_001144966.3); c.2004C>G, p.Phe668Leu (NM_001144968.2); c.1944C>G, p.Phe648Leu (NM_001144969.2); c.1605C>G, p.Phe535Leu (NM_001144970.3, NM_001144971.2); c.1836C>G, p.Phe612Leu (NM_001243960.2); c.1968C>G, p.Phe656Leu (NM_015277.6); short protein forms F535L, F555L, F612L, F648L, F656L, F668L, F676L.
Identifiers: ClinVar variation 3376015 (VCV003376015.1).

ClinVar aggregate classification (germline): Uncertain significance (1 of 4 stars; one submission).

Submission:

GeneDx
Classification: Uncertain significance. Last evaluated: 2024-05-02. Review status: criteria provided, single submitter. Criteria: GeneDx Variant Classification Process June 2021. Collection method: clinical testing. Allele origin: germline. Affected: yes.
Comment: Not observed at significant frequency in large population cohorts (gnomAD); In silico analysis supports that this missense variant has a deleterious effect on protein structure/function; Has not been previously published as pathogenic or benign to our knowledge